The following is an entry in ClinVar:

ClinVar aggregate classification (germline): Uncertain significance (1 of 4 stars; one submission).

Conditions:
Parkinsonism-dystonia, infantile. Identifiers: Orphanet 238455, MedGen C2751067, MONDO:0013150.

Allele frequency attached by ClinVar (database versions not stated): gnomAD exomes 0.00003; gnomAD 0.00005 and 0.00006; TOPMed 0.00006; ESP Exome Variant Server 0.00008; ExAC 0.00015; 1000 Genomes Project 0.00020; 1000 Genomes Project 30x 0.00047.
gnomAD v4.1: 264 of 1,546,412 alleles (0.017%); highest among the groups gnomAD compares: Non-Finnish European, 0.022%; no homozygotes.

Submission:

Labcorp Genetics (formerly Invitae), Labcorp
Classification: Uncertain significance for Parkinsonism-dystonia, infantile. Last evaluated: 2024-10-15. Review status: criteria provided, single submitter. Criteria: Invitae Variant Classification Sherloc (09022015). Collection method: clinical testing. Allele origin: germline.
Comment: This sequence change affects codon 423 of the SLC6A3 mRNA. It is a 'silent' change, meaning that it does not change the encoded amino acid sequence of the SLC6A3 protein. It affects a nucleotide within the consensus splice site. This variant is present in population databases (rs200757674, gnomAD 0.01%). This variant has not been reported in the literature in individuals affected with SLC6A3-related conditions. ClinVar contains an entry for this variant (Variation ID: 863321). Algorithms developed to predict the effect of sequence changes on RNA splicing suggest that this variant is not likely to affect RNA splicing. In summary, the available evidence is currently insufficient to determine the role of this variant in disease. Therefore, it has been classified as a Variant of Uncertain Significance.

NM_001044.5(SLC6A3):c.1269C>T (p.Ala423=)

Gene: SLC6A3 (solute carrier family 6 member 3). Cytogenetic location: 5p15.33.
Variant type: single nucleotide variant.
Coding change: c.1269C>T on transcript NM_001044.5 (MANE Select); coding-DNA position 1269, C replaced by T.
Protein change: p.Ala423=; no amino-acid change (alanine 423 retained).
Molecular consequence: synonymous variant.
Genome position (GRCh38, 1-based): chr5:1,411,243, G>A on the plus strand (C>T on the coding strand, the complement: SLC6A3 is on the minus strand). VCF-style: chr5-1411243-G-A. GRCh37 (hg19) VCF-style: chr5-1411358-G-A.
Identifiers: ClinVar variation 863321 (VCV000863321.10), dbSNP rs200757674, ClinGen allele CA3186104.
Genomic context (GRCh38, chr5:1,411,243, plus strand): 5'-CCCCTCGGGTGGAAGGAACCCAACTGCCGAGGACAGGGCCGGGCGGTGCGGGTTACTCAC[G>A]GCGCTGTCGATACCCAGGGTGAGCAGCATGATGAAGAAGACCACGGCCCAGGCTGAGGAC-3'
Protein context (NP_001035.1, residues 413-433): IMLLTLGIDS[Ala423=]MGGMESVITG